The following is an entry in ClinVar:

NM_004855.5(PIGB):c.1134A>C (p.Leu378Phe)

Gene: PIGB (phosphatidylinositol glycan anchor biosynthesis class B; plus strand). Cytogenetic location: 15q21.3.
Variant type: single nucleotide variant.
Coding change: c.1134A>C on transcript NM_004855.5 (MANE Select); coding-DNA position 1134, A replaced by C.
Protein change: p.Leu378Phe; replaces leucine 378 with phenylalanine.
Molecular consequence: missense variant.
Genome position (GRCh38, 1-based): chr15:55,350,709, A>C. VCF-style: chr15-55350709-A-C. GRCh37 (hg19) VCF-style: chr15-55642907-A-C.
Other names: short protein forms L378F.
Identifiers: ClinVar variation 1375159 (VCV001375159.5), dbSNP rs776537133, ClinGen allele CA7574018.
Genomic context (GRCh38, chr15:55,350,709, plus strand): 5'-ATAACAAAAGATTGTCAGTGTTAAGGTTCAATATGTCTATCTTCATATAGGATACTCATT[A>C]ACCCACCTGAAAACATGGAAGAAACCAGCTCTAAGTTTCCTGTTTTTATCAAATTTGTTC-3'
Protein context (NP_004846.4, residues 368-388): PFCMVFCGYS[Leu378Phe]THLKTWKKPA

ClinVar aggregate classification (germline): Uncertain significance (1 of 4 stars; one submission).

Allele frequency attached by ClinVar (database versions not stated): TOPMed below 0.00001; ExAC 0.00001; gnomAD exomes 0.00001.
gnomAD v4.1: 7 of 1,611,010 alleles (0.00043%); highest among the groups gnomAD compares: Non-Finnish European, 0.00059%; no homozygotes.

Submission:

Labcorp Genetics (formerly Invitae), Labcorp
Classification: Uncertain significance. Last evaluated: 2021-12-02. Review status: criteria provided, single submitter. Criteria: Invitae Variant Classification Sherloc (09022015). Collection method: clinical testing. Allele origin: germline.
Comment: Algorithms developed to predict the effect of missense changes on protein structure and function (SIFT, PolyPhen-2, Align-GVGD) all suggest that this variant is likely to be tolerated. This variant has not been reported in the literature in individuals affected with PIGB-related conditions. This variant is present in population databases (rs776537133, gnomAD 0.002%). This sequence change replaces leucine, which is neutral and non-polar, with phenylalanine, which is neutral and non-polar, at codon 378 of the PIGB protein (p.Leu378Phe). In summary, the available evidence is currently insufficient to determine the role of this variant in disease. Therefore, it has been classified as a Variant of Uncertain Significance.